The following is an entry in ClinVar:

ClinVar aggregate classification (germline): Uncertain significance (1 of 4 stars; one submission).

Allele frequency attached by ClinVar (database versions not stated): TOPMed 0.00003; ExAC 0.00004; gnomAD 0.00004; gnomAD exomes 0.00006; ESP Exome Variant Server 0.00008.

Submission:

CeGaT Center for Human Genetics Tuebingen
Classification: Uncertain significance. Last evaluated: 2024-02-01. Review status: criteria provided, single submitter. Criteria: CeGaT Center For Human Genetics Tuebingen Variant Classification Criteria Version 2. Collection method: clinical testing. Allele origin: germline. Affected: yes. Observed: 1 variant allele.
Comment: CHAMP1: PM2, BP4

NM_032436.4(CHAMP1):c.37C>T (p.Arg13Cys)

Gene: CHAMP1 (chromosome alignment maintaining phosphoprotein 1; plus strand). Cytogenetic location: 13q34.
Variant type: single nucleotide variant.
Coding change: c.37C>T on transcript NM_032436.4 (MANE Select); coding-DNA position 37, C replaced by T.
Protein change: p.Arg13Cys; replaces arginine 13 with cysteine.
Molecular consequence: missense variant.
Genome position (GRCh38, 1-based): chr13:114,323,879, C>T. VCF-style: chr13-114323879-C-T. GRCh37 (hg19) VCF-style: chr13-115089354-C-T.
Other names: c.37C>T, p.Arg13Cys (NM_001164144.3, NM_001164145.3); short protein forms R13C.
Identifiers: ClinVar variation 3025022 (VCV003025022.22), dbSNP rs201268340, ClinGen allele CA7070575.